The following is an entry in ClinVar:

ClinVar aggregate classification (germline): Uncertain significance (1 of 4 stars; one submission).

gnomAD v4.1: 16 of 1,614,012 alleles (0.00099%); highest among the groups gnomAD compares: Non-Finnish European, 0.0014%; no homozygotes.

Submission:

Labcorp Genetics (formerly Invitae), Labcorp
Classification: Uncertain significance. Last evaluated: 2025-12-15. Review status: criteria provided, single submitter. Criteria: Invitae Variant Classification Sherloc (09022015). Collection method: clinical testing. Allele origin: germline.
Comment: This sequence change replaces glycine, which is neutral and non-polar, with serine, which is neutral and polar, at codon 808 of the ABCC2 protein (p.Gly808Ser). This variant is present in population databases (rs750292336, gnomAD 0.003%). This variant has not been reported in the literature in individuals affected with ABCC2-related conditions. Invitae Evidence Modeling of protein sequence and biophysical properties (such as structural, functional, and spatial information, amino acid conservation, physicochemical variation, residue mobility, and thermodynamic stability) has been performed for this missense variant. However, the output from this modeling did not meet the statistical confidence thresholds required to predict the impact of this variant on ABCC2 protein function. In summary, the available evidence is currently insufficient to determine the role of this variant in disease. Therefore, it has been classified as a Variant of Uncertain Significance.

NM_000392.5(ABCC2):c.2422G>A (p.Gly808Ser)

Gene: ABCC2 (ATP binding cassette subfamily C member 2; plus strand). Cytogenetic location: 10q24.2.
Variant type: single nucleotide variant.
Coding change: c.2422G>A on transcript NM_000392.5 (MANE Select); coding-DNA position 2422, G replaced by A.
Protein change: p.Gly808Ser; replaces glycine 808 with serine.
Molecular consequence: missense variant.
Genome position (GRCh38, 1-based): chr10:99,818,940, G>A. VCF-style: chr10-99818940-G-A. GRCh37 (hg19) VCF-style: chr10-101578697-G-A.
Other names: short protein forms G808S.
Identifiers: ClinVar variation 4704260 (VCV004704260.1).
Genomic context (GRCh38, chr10:99,818,940, plus strand): 5'-CTGTCTGCAGTGGATGCTCATGTAGGAAAACATATTTTTAATAAGGTCTTGGGCCCCAAT[G>A]GCCTGTTGAAAGGCAAGGTGAGAAATCATTGAACATGATGAAGATATAAAGGTGGGGTGG-3'
Protein context (NP_000383.2, residues 798-818): HIFNKVLGPN[Gly808Ser]LLKGKTRLLV